The following is an entry in ClinVar:

NM_004415.4(DSP):c.623del (p.Gly208fs)

Gene: DSP (desmoplakin; plus strand). Cytogenetic location: 6p24.3.
Variant type: Deletion.
Coding change: c.623del on transcript NM_004415.4 (MANE Select); coding-DNA position 623, one base deleted (G; older notation c.623delG).
Protein change: p.Gly208fs; shifts the reading frame from glycine 208.
Molecular consequence: frameshift variant.
Genome position (GRCh38, 1-based): chr6:7,562,677, G deleted; the last of 4 consecutive G bases (chr6:7,562,674-7,562,677); deleting any one gives the same sequence. VCF-style (leftmost placement, unchanged base first): chr6-7562673-TG-T. GRCh37 (hg19) VCF-style: chr6-7562906-TG-T.
Other names: c.623del, p.Gly208fs (NM_001008844.3, NM_001319034.2); short protein forms G208fs.
Identifiers: ClinVar variation 1322784 (VCV001322784.7), dbSNP rs2113665067, ClinGen allele CA2573052736.
Genomic context (GRCh38, chr6:7,562,673, plus strand): 5'-CAACAACAAAGGGCGCCTCTCTTTGTCTTTGTGTCGCAGGCGGAGATGGACATGGTGGCC[TG>T]GGGTGTGGACCTGGCCTCAGTGGAGCAGCACATTAACAGCCACCGGGGCATCCACAACTC-3'

ClinVar aggregate classification (germline): Pathogenic (1 of 4 stars; one submission).

Conditions:
Arrhythmogenic cardiomyopathy with wooly hair and keratoderma. Also called: Carvajal syndrome; Arrhythmogenic cardiomyopathy with woolly hair and keratoderma; PALMOPLANTAR KERATODERMA WITH LEFT VENTRICULAR CARDIOMYOPATHY AND WOOLLY HAIR; Dilated cardiomyopathy with woolly hair and keratoderma. Identifiers: Orphanet 65282, MedGen C1854063, MONDO:0011581, OMIM 605676.
Arrhythmogenic right ventricular dysplasia 8 (ARVD8). Also called: Arrhythmogenic Right Ventricular Dysplasia/Cardiomyopathy 8; ARRHYTHMOGENIC RIGHT VENTRICULAR DYSPLASIA, FAMILIAL, 8; ARRHYTHMOGENIC RIGHT VENTRICULAR CARDIOMYOPATHY 8. Identifiers: MedGen C1843896, MONDO:0011831, OMIM 607450.

Submission:

Labcorp Genetics (formerly Invitae), Labcorp
Classification: Pathogenic for Arrhythmogenic cardiomyopathy with wooly hair and keratoderma; Arrhythmogenic right ventricular dysplasia 8. Last evaluated: 2021-03-02. Review status: criteria provided, single submitter. Criteria: Invitae Variant Classification Sherloc (09022015). Collection method: clinical testing. Allele origin: germline.
Comment: For these reasons, this variant has been classified as Pathogenic. Algorithms developed to predict the effect of sequence changes on RNA splicing suggest that this variant may create or strengthen a splice site, but this prediction has not been confirmed by published transcriptional studies. This variant has not been reported in the literature in individuals with DSP-related conditions. This variant is not present in population databases (ExAC no frequency). This sequence change creates a premature translational stop signal (p.Gly208Valfs*52) in the DSP gene. It is expected to result in an absent or disrupted protein product. Loss-of-function variants in DSP are known to be pathogenic (PMID: 20716751, 24503780, 25227139).

Literature cited by the submitters: PubMed 20716751; PubMed 24503780; PubMed 25227139.